The following is an entry in ClinVar:

NM_197968.4(ZMYM2):c.2133A>G (p.Leu711=)

Gene: ZMYM2 (zinc finger MYM-type containing 2; plus strand). Cytogenetic location: 13q12.11.
Variant type: single nucleotide variant.
Coding change: c.2133A>G on transcript NM_197968.4 (MANE Select); coding-DNA position 2133, A replaced by G.
Protein change: p.Leu711=; no amino-acid change (leucine 711 retained).
Molecular consequence: synonymous variant. On other transcripts: non-coding transcript variant (1).
Genome position (GRCh38, 1-based): chr13:20,036,750, A>G. VCF-style: chr13-20036750-A-G. GRCh37 (hg19) VCF-style: chr13-20610890-A-G.
Other names: c.2133A>G, p.Leu711= (NM_001353162.3, NM_001353164.2, NM_001353165.2 and 5 more transcripts); c.1872A>G, p.Leu624= (NM_001353163.2); c.1938A>G, p.Leu646= (NM_001353161.3).
Identifiers: ClinVar variation 4875433 (VCV004875433.2).

ClinVar aggregate classification (germline): Likely benign (1 of 4 stars; one submission).

Submission:

CeGaT Center for Human Genetics Tuebingen
Classification: Likely benign. Last evaluated: 2026-06-01. Review status: criteria provided, single submitter. Criteria: CeGaT Center For Human Genetics Tuebingen Variant Classification Criteria Version 2. Collection method: clinical testing. Allele origin: germline. Affected: yes. Observed: 1 variant allele.
Comment: ZMYM2: PM2:Supporting, BP4, BP7